The following is an entry in ClinVar:

NM_001130438.3(SPTAN1):c.2778+20G>A

Gene: SPTAN1 (spectrin alpha, non-erythrocytic 1; plus strand). Cytogenetic location: 9q34.11.
Variant type: single nucleotide variant.
Coding change: c.2778+20G>A on transcript NM_001130438.3 (MANE Select); 20 bases into the intron after coding-DNA position 2778, G replaced by A.
Molecular consequence: intron variant.
Genome position (GRCh38, 1-based): chr9:128,585,985, G>A. VCF-style: chr9-128585985-G-A. GRCh37 (hg19) VCF-style: chr9-131348264-G-A.
Other names: c.2778+20G>A (NM_001363759.2, NM_003127.4, NM_001363765.2 and 1 more transcripts).
Identifiers: ClinVar variation 207271 (VCV000207271.11), dbSNP rs201463905, ClinGen allele CA318583.

ClinVar aggregate classification (germline): Benign/Likely benign. Review status: criteria provided, multiple submitters, no conflicts (2 of 4 stars). 3 submissions from 3 submitters: Benign (2); Likely benign (1). Last evaluated 2026-01-24.

Conditions:
Early-infantile DEE. Also called: Ohtahara syndrome; Early infantile epileptic encephalopathy; Early infantile epileptic encephalopathy with suppression bursts. Identifiers: Orphanet 1934, MedGen C0393706, MONDO:0800491.

Allele frequency attached by ClinVar (database versions not stated): gnomAD exomes 0.00011 and 0.00019; ExAC 0.00024; TOPMed 0.00057; ESP Exome Variant Server 0.00062; gnomAD 0.00063 and 0.00066; 1000 Genomes Project 30x 0.00125; 1000 Genomes Project 0.00140.
gnomAD v4.1: 259 of 1,610,332 alleles (0.016%); highest among the groups gnomAD compares: African/African-American, 0.21%; 2 homozygotes.

Submissions (3):

Labcorp Genetics (formerly Invitae), Labcorp
Classification: Benign for Early-infantile DEE. Last evaluated: 2026-01-24. Review status: criteria provided, single submitter. Criteria: Invitae Variant Classification Sherloc (09022015). Collection method: clinical testing. Allele origin: germline.

Blueprint Genetics
Classification: Likely benign. Last evaluated: 2022-06-01. Review status: criteria provided, single submitter. Criteria: ACMG Guidelines, 2015. Collection method: clinical testing. Allele origin: germline.

GeneDx
Classification: Benign. Last evaluated: 2014-08-27. Review status: criteria provided, single submitter. Criteria: GeneDx Variant Classification (06012015). Collection method: clinical testing. Allele origin: germline. Affected: yes.
Comment: This variant is considered likely benign or benign based on one or more of the following criteria: it is a conservative change, it occurs at a poorly conserved position in the protein, it is predicted to be benign by multiple in silico algorithms, and/or has population frequency not consistent with disease.